The following is an entry in ClinVar:

ClinVar aggregate classification (germline): Uncertain significance (1 of 4 stars; one submission).

Allele frequency attached by ClinVar (database versions not stated): gnomAD exomes 0.00001.
gnomAD v4.1: 7 of 1,613,372 alleles (0.00043%); highest among the groups gnomAD compares: African/African-American, 0.0013%; no homozygotes.

Submission:

Labcorp Genetics (formerly Invitae), Labcorp
Classification: Uncertain significance. Last evaluated: 2025-01-23. Review status: criteria provided, single submitter. Criteria: Invitae Variant Classification Sherloc (09022015). Collection method: clinical testing. Allele origin: germline.
Comment: This sequence change replaces methionine, which is neutral and non-polar, with threonine, which is neutral and polar, at codon 613 of the LZTR1 protein (p.Met613Thr). This variant is present in population databases (no rsID available, gnomAD 0.004%). This variant has not been reported in the literature in individuals affected with LZTR1-related conditions. ClinVar contains an entry for this variant (Variation ID: 2720692). Invitae Evidence Modeling of protein sequence and biophysical properties (such as structural, functional, and spatial information, amino acid conservation, physicochemical variation, residue mobility, and thermodynamic stability) indicates that this missense variant is not expected to disrupt LZTR1 protein function with a negative predictive value of 80%. In summary, the available evidence is currently insufficient to determine the role of this variant in disease. Therefore, it has been classified as a Variant of Uncertain Significance.

NM_006767.4(LZTR1):c.1838T>C (p.Met613Thr)

Gene: LZTR1 (leucine zipper like post translational regulator 1; plus strand). Cytogenetic location: 22q11.21.
Variant type: single nucleotide variant.
Coding change: c.1838T>C on transcript NM_006767.4 (MANE Select); coding-DNA position 1838, T replaced by C.
Protein change: p.Met613Thr; replaces methionine 613 with threonine.
Molecular consequence: missense variant.
Genome position (GRCh38, 1-based): chr22:20,994,922, T>C. VCF-style: chr22-20994922-T-C. GRCh37 (hg19) VCF-style: chr22-21349211-T-C.
Other names: short protein forms M613T.
Identifiers: ClinVar variation 2720692 (VCV002720692.3), dbSNP rs963149046, ClinGen allele CA410778566.
Genomic context (GRCh38, chr22:20,994,922, plus strand): 5'-TGCCCCAGGAGCACTGCCTGAACTTCGTGGTAAAGGAGTCCCACTTCAACCAGGTGATCA[T>C]GATGAAGGAGTTCGAGCGCCTCTCCTCTCCACTGATAGTGGAGATTGTGCGGCGGAAGCA-3'
Protein context (NP_006758.2, residues 603-623): VKESHFNQVI[Met613Thr]MKEFERLSSP